The following is an entry in ClinVar:

NM_006348.5(COG5):c.1211A>G (p.Gln404Arg)

Gene: COG5 (component of oligomeric golgi complex 5; minus strand). Cytogenetic location: 7q22.3.
Variant type: single nucleotide variant.
Coding change: c.1211A>G on transcript NM_006348.5 (MANE Select); coding-DNA position 1211, A replaced by G.
Protein change: p.Gln404Arg; replaces glutamine 404 with arginine.
Molecular consequence: missense variant.
Genome position (GRCh38, 1-based): chr7:107,298,244, T>C on the plus strand (A>G on the coding strand, the complement: COG5 is on the minus strand). VCF-style: chr7-107298244-T-C. GRCh37 (hg19) VCF-style: chr7-106938689-T-C.
Other names: c.1211A>G, p.Gln404Arg (NM_001161520.2, NM_001379511.1, NM_001379512.1 and 3 more transcripts); c.641A>G, p.Gln214Arg (NM_001379515.1); c.497A>G, p.Gln166Arg (NM_001379516.1); short protein forms Q435R, Q166R, Q214R, Q404R.
Identifiers: ClinVar variation 358463 (VCV000358463.45), dbSNP rs189560910, ClinGen allele CA4430978.

ClinVar aggregate classification (germline): Conflicting classifications of pathogenicity. Review status: criteria provided, conflicting classifications (1 of 4 stars). 4 submissions from 4 submitters: Uncertain significance (2); Likely benign (2). Last evaluated 2025-12-01.

Conditions:
COG5-congenital disorder of glycosylation. Also called: CDG IIi; CONGENITAL DISORDER OF GLYCOSYLATION, TYPE IIi; COG5-CDG. Identifiers: Orphanet 263487, MedGen C3150876, MONDO:0013325, OMIM 613612.

Allele frequency attached by ClinVar (database versions not stated): 1000 Genomes Project 30x 0.00031; ESP Exome Variant Server 0.00031; 1000 Genomes Project 0.00040; gnomAD exomes 0.00042 and 0.00056; ExAC 0.00051; TOPMed 0.00071.
gnomAD v4.1: 716 of 1,613,510 alleles (0.044%); highest among the groups gnomAD compares: Admixed American, 0.095%; 2 homozygotes.

Submissions (4):

Labcorp Genetics (formerly Invitae), Labcorp
Classification: Likely benign for COG5-congenital disorder of glycosylation. Last evaluated: 2025-12-01. Review status: criteria provided, single submitter. Criteria: Invitae Variant Classification Sherloc (09022015). Collection method: clinical testing. Allele origin: germline.

CeGaT Center for Human Genetics Tuebingen
Classification: Likely benign. Last evaluated: 2024-05-01. Review status: criteria provided, single submitter. Criteria: CeGaT Center For Human Genetics Tuebingen Variant Classification Criteria Version 2. Collection method: clinical testing. Allele origin: germline. Affected: yes. Observed: 2 variant alleles.
Comment: COG5: BP4

Mayo Clinic Laboratories, Mayo Clinic
Classification: Uncertain significance. Last evaluated: 2019-04-17. Review status: criteria provided, single submitter. Criteria: ACMG Guidelines, 2015. Collection method: clinical testing. Allele origin: germline. Observed: 1 variant allele.

Illumina Laboratory Services, Illumina
Classification: Uncertain significance for COG5-congenital disorder of glycosylation. Last evaluated: 2018-01-12. Review status: criteria provided, single submitter. Criteria: ICSL Variant Classification Criteria 13 December 2019. Collection method: clinical testing. Allele origin: germline.